The following is an entry in ClinVar:

ClinVar aggregate classification (germline): Uncertain significance (1 of 4 stars; one submission).

Submission:

GeneDx
Classification: Uncertain significance. Last evaluated: 2026-08-25. Review status: criteria provided, single submitter. Criteria: GeneDx Variant Classification Process June 2021. Collection method: clinical testing. Allele origin: germline.
Comment: Not observed at significant frequency in large population cohorts (gnomAD); In silico analysis supports that this missense variant has a deleterious effect on protein structure/function; Has not been previously published as pathogenic or benign to our knowledge

NM_005121.3(MED13):c.983C>T (p.Pro328Leu)

Gene: MED13 (mediator complex subunit 13; minus strand). Cytogenetic location: 17q23.2.
Variant type: single nucleotide variant.
Coding change: c.983C>T on transcript NM_005121.3 (MANE Select); coding-DNA position 983, C replaced by T.
Protein change: p.Pro328Leu; replaces proline 328 with leucine.
Molecular consequence: missense variant.
Genome position (GRCh38, 1-based): chr17:62,031,470, G>A on the plus strand (C>T on the coding strand, the complement: MED13 is on the minus strand). VCF-style: chr17-62031470-G-A. GRCh37 (hg19) VCF-style: chr17-60108831-G-A.
Other names: short protein forms P328L.
Identifiers: ClinVar variation 3893558 (VCV003893558.2).
Genomic context (GRCh38, chr17:62,031,470, plus strand): 5'-TTACCAGAGCTGATGAGACAAATTACTGCTATACCTGTTTGGACTTCCTCAGGAGACGTA[G>A]GTGGTGTAAGCGTAACCGAAGACATAGCAGGATCTCTTGTGGAAGCAGGCACTTGGTGGA-3'
Protein context (NP_005112.2, residues 318-338): PAMSSVTLTP[Pro328Leu]TSPEEVQTVD